The following is an entry in ClinVar:

NM_002074.5(GNB1):c.155G>A (p.Arg52Gln)

Gene: GNB1 (G protein subunit beta 1; minus strand). Cytogenetic location: 1p36.33.
Variant type: single nucleotide variant.
Coding change: c.155G>A on transcript NM_002074.5 (MANE Select); coding-DNA position 155, G replaced by A.
Protein change: p.Arg52Gln; replaces arginine 52 with glutamine.
Molecular consequence: missense variant. On other transcripts: intron variant (1).
Genome position (GRCh38, 1-based): chr1:1,815,804, C>T on the plus strand (G>A on the coding strand, the complement: GNB1 is on the minus strand). VCF-style: chr1-1815804-C-T. GRCh37 (hg19) VCF-style: chr1-1747243-C-T.
Other names: c.155G>A (NM_002074.4); c.155G>A, p.Arg52Gln (NM_001282539.2); c.-97-9266G>A (NM_001282538.2); short protein forms R52Q.
Identifiers: ClinVar variation 3672430 (VCV003672430.4).

ClinVar aggregate classification (germline): Conflicting classifications of pathogenicity. Review status: criteria provided, conflicting classifications (1 of 4 stars). 3 submissions from 3 submitters: Likely pathogenic (1); Uncertain significance (2). Last evaluated 2024-11-18.

Conditions:
GNB1-related disorder. Also called: GNB1-related condition.

Submissions (3):

PreventionGenetics, part of Exact Sciences
Classification: Uncertain significance for GNB1-related condition. Last evaluated: 2024-11-18. Review status: criteria provided, single submitter. Criteria: ACMG Guidelines, 2015. Collection method: clinical testing. Allele origin: germline.
Comment: The GNB1 c.155G>A variant is predicted to result in the amino acid substitution p.Arg52Gln. This variant has been reported in individuals with a developmental disorder (Kaplanis et al. 2020. PubMed ID: 33057194; Zhou et al. 2022. PubMed ID: 35982159). This variant has not been reported in a large population database (gnomAD), indicating this variant is rare. Although we suspect that this variant may be pathogenic, at this time, the clinical significance of this variant is uncertain due to the absence of conclusive functional and genetic evidence.

Labcorp Genetics (formerly Invitae), Labcorp
Classification: Uncertain significance. Last evaluated: 2024-04-17. Review status: criteria provided, single submitter. Criteria: Invitae Variant Classification Sherloc (09022015). Collection method: clinical testing. Allele origin: germline.
Comment: This sequence change replaces arginine, which is basic and polar, with glutamine, which is neutral and polar, at codon 52 of the GNB1 protein (p.Arg52Gln). This variant is not present in population databases (gnomAD no frequency). This variant has not been reported in the literature in individuals affected with GNB1-related conditions. Advanced modeling of protein sequence and biophysical properties (such as structural, functional, and spatial information, amino acid conservation, physicochemical variation, residue mobility, and thermodynamic stability) performed at Invitae indicates that this missense variant is not expected to disrupt GNB1 protein function with a negative predictive value of 80%. This variant disrupts the p.Arg52 amino acid residue in GNB1. Other variant(s) that disrupt this residue have been determined to be pathogenic (PMID: 28087732). This suggests that this residue is clinically significant, and that variants that disrupt this residue are likely to be disease-causing. In summary, the available evidence is currently insufficient to determine the role of this variant in disease. Therefore, it has been classified as a Variant of Uncertain Significance.

Blueprint Genetics
Classification: Likely pathogenic for GNB1-related disorders. Last evaluated: 2020-12-01. Review status: criteria provided, single submitter. Criteria: ACMG Guidelines, 2015. Collection method: clinical testing. Allele origin: germline. Affected: yes. Observed: 1 variant allele.

Literature cited by the submitters: PubMed 28087732 (cited by Labcorp Genetics (formerly Invitae), Labcorp).